The following is an entry in ClinVar:

ClinVar aggregate classification (germline): Likely pathogenic (1 of 4 stars; one submission).

Conditions:
Vertebral, cardiac, renal, and limb defects syndrome 3. Also called: CONGENITAL NAD DEFICIENCY DISORDER 3. Identifiers: MedGen C5394250, MONDO:0030077, OMIM 618845.

gnomAD v4.1: 2 of 1,608,326 alleles (0.00012%); highest among the groups gnomAD compares: Non-Finnish European, 0.00017%; no homozygotes.

Submission:

Juno Genomics, Hangzhou Juno Genomics, Inc
Classification: Likely pathogenic for Vertebral, cardiac, renal, and limb defects syndrome 3. Review status: criteria provided, single submitter. Criteria: ACMG Guidelines, 2015. Collection method: clinical testing. Allele origin: germline.
Comment: Null variant in a gene where loss of function (LOF) is a known mechanism of disease.;Absent from controls (or at extremely low frequency if recessive) in Genome Aggregation Database.

NM_018161.5(NADSYN1):c.1150+1G>A

Gene: NADSYN1 (NAD synthetase 1; plus strand). Cytogenetic location: 11q13.4.
Variant type: single nucleotide variant.
Coding change: c.1150+1G>A on transcript NM_018161.5 (MANE Select); the canonical splice donor site of the intron after coding-DNA position 1150, G replaced by A.
Molecular consequence: splice donor variant.
Genome position (GRCh38, 1-based): chr11:71,482,026, G>A. VCF-style: chr11-71482026-G-A. GRCh37 (hg19) VCF-style: chr11-71193072-G-A.
Identifiers: ClinVar variation 5004977 (VCV005004977.2).
Genomic context (GRCh38, chr11:71,482,026, plus strand): 5'-CCACCGCCTGCCTCATCTACTCCATGTGCTGCCAGGTCTGCGAGGCCGTGAGGAGTGGAA[G>A]TAGGTGACATCTGTTGGCTTGAGGGAGGCTCCAGGGTCCAGCCCTTGGGCTGCCTGAGTT-3'